The following is an entry in ClinVar:

NM_000166.6(GJB1):c.257C>T (p.Thr86Ile)

Gene: GJB1 (gap junction protein beta 1; plus strand). Cytogenetic location: Xq13.1.
Variant type: single nucleotide variant.
Coding change: c.257C>T on transcript NM_000166.6 (MANE Select); coding-DNA position 257, C replaced by T.
Protein change: p.Thr86Ile; replaces threonine 86 with isoleucine.
Molecular consequence: missense variant.
Genome position (GRCh38, 1-based): chrX:71,223,964, C>T. VCF-style: chrX-71223964-C-T. GRCh37 (hg19) VCF-style: chrX-70443814-C-T.
Other names: c.257C>T, p.Thr86Ile (NM_001097642.3); short protein forms T86I.
Identifiers: ClinVar variation 637616 (VCV000637616.7), dbSNP rs1602349017, ClinGen allele CA413501681.
Genomic context (GRCh38, chrX:71,223,964, plus strand): 5'-ACCAATTCTTCCCCATCTCCCATGTGCGGCTGTGGTCCCTGCAGCTCATCCTAGTTTCCA[C>T]CCCAGCTCTCCTCGTGGCCATGCACGTGGCTCACCAGCAACACATAGAGAAGAAAATGCT-3'
Protein context (NP_000157.1, residues 76-96): LWSLQLILVS[Thr86Ile]PALLVAMHVA

ClinVar aggregate classification (germline): Pathogenic. Review status: criteria provided, multiple submitters, no conflicts (2 of 4 stars). 3 submissions from 3 submitters: Pathogenic (2). 1 of the submissions does not count toward it. Last evaluated 2025-03-31.

Conditions:
Charcot-Marie-Tooth Neuropathy X. Identifiers: MedGen CN118851.
Charcot-Marie-Tooth disease. Also called: Charcot-Marie-Tooth Hereditary Neuropathy; Charcot-Marie-Tooth Neuropathy. Identifiers: Orphanet 166, MedGen C0007959, MONDO:0015626.
GJB1-related disorder. Also called: GJB1-related disorders; GJB1-related condition.

gnomAD v4.1: 1 of 1,203,049 alleles (0.000083%); no homozygotes.

Submissions (3):

Labcorp Genetics (formerly Invitae), Labcorp
Classification: Pathogenic for Charcot-Marie-Tooth Neuropathy X. Last evaluated: 2025-03-31. Review status: criteria provided, single submitter. Criteria: Invitae Variant Classification Sherloc (09022015). Collection method: clinical testing. Allele origin: germline.
Comment: This sequence change replaces threonine, which is neutral and polar, with isoleucine, which is neutral and non-polar, at codon 86 of the GJB1 protein (p.Thr86Ile). This variant is not present in population databases (gnomAD no frequency). This missense change has been observed in individuals with clinical features of Charcot-Marie-Tooth disease (PMID: 19062535, 21291455, 32376792; internal data). It has also been observed to segregate with disease in related individuals. ClinVar contains an entry for this variant (Variation ID: 637616). Invitae Evidence Modeling of protein sequence and biophysical properties (such as structural, functional, and spatial information, amino acid conservation, physicochemical variation, residue mobility, and thermodynamic stability) has been performed for this missense variant. However, the output from this modeling did not meet the statistical confidence thresholds required to predict the impact of this variant on GJB1 protein function. This variant disrupts the p.Thr86 amino acid residue in GJB1. Other variant(s) that disrupt this residue have been observed in individuals with GJB1-related conditions (PMID: 9452099), which suggests that this may be a clinically significant amino acid residue. For these reasons, this variant has been classified as Pathogenic.

Blueprint Genetics
Classification: Pathogenic for GJB1-related disorders. Last evaluated: 2023-10-05. Review status: criteria provided, single submitter. Criteria: ACMG Guidelines, 2015. Collection method: clinical testing. Allele origin: germline. Affected: yes. Observed: 1 variant allele.

Inherited Neuropathy Consortium
Classification: Uncertain significance for Charcot-Marie-Tooth disease. Review status: no assertion criteria provided. Collection method: literature only. Allele origin: germline. Affected: yes. Not counted in ClinVar's aggregate classification.

Literature cited by the submitters: PubMed 19062535 (cited by Labcorp Genetics (formerly Invitae), Labcorp and Inherited Neuropathy Consortium); PubMed 21291455 (cited by Labcorp Genetics (formerly Invitae), Labcorp); PubMed 32376792 (cited by Labcorp Genetics (formerly Invitae), Labcorp); PubMed 9452099 (cited by Labcorp Genetics (formerly Invitae), Labcorp).